The following is an entry in ClinVar:

NM_000093.5(COL5A1):c.3185G>T (p.Arg1062Leu)

Gene: COL5A1 (collagen type V alpha 1 chain; plus strand). Cytogenetic location: 9q34.3.
Variant type: single nucleotide variant.
Coding change: c.3185G>T on transcript NM_000093.5 (MANE Select); coding-DNA position 3185, G replaced by T.
Protein change: p.Arg1062Leu; replaces arginine 1062 with leucine.
Molecular consequence: missense variant.
Genome position (GRCh38, 1-based): chr9:134,805,045, G>T. VCF-style: chr9-134805045-G-T. GRCh37 (hg19) VCF-style: chr9-137696891-G-T.
Other names: c.3185G>T, p.Arg1062Leu (NM_001278074.1); short protein forms R1062L.
Identifiers: ClinVar variation 1519727 (VCV001519727.9), dbSNP rs771807198, ClinGen allele CA375450572.

ClinVar aggregate classification (germline): Uncertain significance. Review status: criteria provided, multiple submitters, no conflicts (2 of 4 stars). 2 submissions from 2 submitters: Uncertain significance (2). Last evaluated 2026-06-29.

Conditions:
Ehlers-Danlos syndrome, classic type, 1 (EDSCL1). Also called: EHLERS-DANLOS SYNDROME, GRAVIS TYPE; EHLERS-DANLOS SYNDROME, SEVERE CLASSIC TYPE; Ehlers-Danlos Syndrome, Classic Type, COL5A1-Related; Ehlers-Danlos syndrome, type 1; EDS I. Identifiers: MedGen C0268335, MONDO:0019567, OMIM 130000.

gnomAD v4.1: 8 of 1,613,964 alleles (0.0005%); highest among the groups gnomAD compares: Non-Finnish European, 0.00068%; no homozygotes.

Submissions (2):

Women's Health and Genetics/Laboratory Corporation of America, LabCorp
Classification: Uncertain significance. Last evaluated: 2026-06-29. Review status: criteria provided, single submitter. Criteria: LabCorp Variant Classification Summary - May 2015. Collection method: clinical testing. Allele origin: germline.

Labcorp Genetics (formerly Invitae), Labcorp
Classification: Uncertain significance for Ehlers-Danlos syndrome, classic type, 1. Last evaluated: 2025-11-11. Review status: criteria provided, single submitter. Criteria: Invitae Variant Classification Sherloc (09022015). Collection method: clinical testing. Allele origin: germline.
Comment: This sequence change replaces arginine, which is basic and polar, with leucine, which is neutral and non-polar, at codon 1062 of the COL5A1 protein (p.Arg1062Leu). This variant is present in population databases (no rsID available, gnomAD 0.0009%). This variant has not been reported in the literature in individuals affected with COL5A1-related conditions. ClinVar contains an entry for this variant (Variation ID: 1519727). Invitae Evidence Modeling of protein sequence and biophysical properties (such as structural, functional, and spatial information, amino acid conservation, physicochemical variation, residue mobility, and thermodynamic stability) indicates that this missense variant is expected to disrupt COL5A1 protein function with a positive predictive value of 80%. In summary, the available evidence is currently insufficient to determine the role of this variant in disease. Therefore, it has been classified as a Variant of Uncertain Significance.